The following is an entry in ClinVar:

NM_133368.3(RSPRY1):c.109del (p.Ala37fs)

Gene: RSPRY1 (ring finger and SPRY domain containing 1; plus strand). Cytogenetic location: 16q13.
Variant type: Deletion.
Coding change: c.109del on transcript NM_133368.3 (MANE Select); coding-DNA position 109, one base deleted (G; older notation c.109delG).
Protein change: p.Ala37fs; shifts the reading frame from alanine 37.
Molecular consequence: frameshift variant.
Genome position (GRCh38, 1-based): chr16:57,204,767, G deleted. VCF-style (leftmost placement, unchanged base first): chr16-57204766-CG-C. GRCh37 (hg19) VCF-style: chr16-57238678-CG-C.
Other names: c.109del, p.Ala37fs (NM_001305163.2, NM_001305164.2, NM_001305182.2); short protein forms A37fs.
Identifiers: ClinVar variation 1325018 (VCV001325018.7), dbSNP rs763629092, ClinGen allele CA8074383.

ClinVar aggregate classification (germline): Pathogenic/Likely pathogenic. Review status: criteria provided, multiple submitters, no conflicts (2 of 4 stars). 2 submissions from 2 submitters: Pathogenic (1); Likely pathogenic (1). Last evaluated 2025-04-17.

Conditions:
Progressive spondyloepimetaphyseal dysplasia-short stature-short fourth metatarsals-intellectual disability syndrome. Also called: SPONDYLOEPIMETAPHYSEAL DYSPLASIA, PROGRESSIVE, WITH SHORT STATURE, FACIAL DYSMORPHISM, SHORT FOURTH METATARSALS, AND MENTAL RETARDATION, WITH OR WITHOUT CRANIOSYNOSTOSIS; Spondyloepimetaphyseal dysplasia, Faden-Alkuraya type. Identifiers: Orphanet 457395, MedGen C5568882, MONDO:0014748, OMIM 616723.

Allele frequency attached by ClinVar (database versions not stated): gnomAD exomes below 0.00001 and 0.00001; TOPMed below 0.00001; ExAC 0.00001.

Submissions (2):

Labcorp Genetics (formerly Invitae), Labcorp
Classification: Pathogenic. Last evaluated: 2025-04-17. Review status: criteria provided, single submitter. Criteria: Invitae Variant Classification Sherloc (09022015). Collection method: clinical testing. Allele origin: germline.
Comment: This sequence change creates a premature translational stop signal (p.Ala37Leufs*67) in the RSPRY1 gene. It is expected to result in an absent or disrupted protein product. Loss-of-function variants in RSPRY1 are known to be pathogenic (PMID: 26365341, 30063090). This variant is present in population databases (rs763629092, gnomAD 0.003%). This variant has not been reported in the literature in individuals affected with RSPRY1-related conditions. ClinVar contains an entry for this variant (Variation ID: 1325018). For these reasons, this variant has been classified as Pathogenic.

Revvity Omics, Revvity
Classification: Likely pathogenic for Progressive spondyloepimetaphyseal dysplasia-short stature-short fourth metatarsals-intellectual disability syndrome. Last evaluated: 2019-12-19. Review status: criteria provided, single submitter. Criteria: ACMG Guidelines, 2015. Collection method: clinical testing. Allele origin: germline.

Literature cited by the submitters: PubMed 26365341 (cited by Labcorp Genetics (formerly Invitae), Labcorp); PubMed 30063090 (cited by Labcorp Genetics (formerly Invitae), Labcorp).